The following is an entry in ClinVar:

ClinVar aggregate classification (germline): Uncertain significance. Review status: criteria provided, multiple submitters, no conflicts (2 of 4 stars). 3 submissions from 3 submitters: Uncertain significance (3). Last evaluated 2026-05-27.

Conditions:
Inborn genetic diseases. Identifiers: MedGen C0950123, MeSH D030342.
MICU1-related disorder. Also called: MICU1-related condition.

Allele frequency attached by ClinVar (database versions not stated): gnomAD exomes 0.00001 and 0.00007; ESP Exome Variant Server 0.00008; ExAC 0.00010; TOPMed 0.00020; gnomAD 0.00023 and 0.00026.
gnomAD v4.1: 59 of 1,613,854 alleles (0.0037%); highest among the groups gnomAD compares: African/African-American, 0.069%; no homozygotes.

Submissions (3):

PreventionGenetics, part of Exact Sciences
Classification: Uncertain significance for MICU1-related condition. Last evaluated: 2026-05-27. Review status: criteria provided, single submitter. Criteria: ACMG Guidelines, 2015. Collection method: clinical testing. Allele origin: germline.
Comment: The MICU1 c.981T>G variant is predicted to result in the amino acid substitution p.Phe327Leu. To our knowledge, this variant has not been reported in the literature. This variant is reported in 0.091% of alleles in individuals of African descent in gnomAD. Although we suspect that this variant may be benign, at this time, the clinical significance of this variant is uncertain due to the absence of conclusive functional and genetic evidence.

Labcorp Genetics (formerly Invitae), Labcorp
Classification: Uncertain significance. Last evaluated: 2025-03-03. Review status: criteria provided, single submitter. Criteria: Invitae Variant Classification Sherloc (09022015). Collection method: clinical testing. Allele origin: germline.
Comment: This sequence change replaces phenylalanine, which is neutral and non-polar, with leucine, which is neutral and non-polar, at codon 329 of the MICU1 protein (p.Phe329Leu). This variant is present in population databases (rs368078332, gnomAD 0.09%). This variant has not been reported in the literature in individuals affected with MICU1-related conditions. ClinVar contains an entry for this variant (Variation ID: 1410762). Invitae Evidence Modeling of protein sequence and biophysical properties (such as structural, functional, and spatial information, amino acid conservation, physicochemical variation, residue mobility, and thermodynamic stability) indicates that this missense variant is not expected to disrupt MICU1 protein function with a negative predictive value of 80%. In summary, the available evidence is currently insufficient to determine the role of this variant in disease. Therefore, it has been classified as a Variant of Uncertain Significance.

Ambry Genetics
Classification: Uncertain significance for Inborn genetic diseases. Last evaluated: 2024-01-23. Review status: criteria provided, single submitter. Criteria: Ambry Variant Classification Scheme 2023. Collection method: clinical testing. Allele origin: germline.

NM_001195518.2(MICU1):c.981T>G (p.Phe327Leu)

Gene: MICU1 (mitochondrial calcium uptake 1; minus strand). Cytogenetic location: 10q22.1.
Variant type: single nucleotide variant.
Coding change: c.981T>G on transcript NM_001195518.2 (MANE Select); coding-DNA position 981, T replaced by G.
Protein change: p.Phe327Leu; replaces phenylalanine 327 with leucine.
Molecular consequence: missense variant.
Genome position (GRCh38, 1-based): chr10:72,423,324, A>C on the plus strand (T>G on the coding strand, the complement: MICU1 is on the minus strand). VCF-style: chr10-72423324-A-C. GRCh37 (hg19) VCF-style: chr10-74183082-A-C.
Other names: c.987T>G (NM_006077.3); c.981T>G (NM_001195518.1); c.387T>G, p.Phe129Leu (NM_001195519.2); c.999T>G, p.Phe333Leu (NM_001363513.2); c.987T>G, p.Phe329Leu (NM_006077.4); short protein forms F329L, F333L, F129L, F327L.
Identifiers: ClinVar variation 1410762 (VCV001410762.6), dbSNP rs368078332, ClinGen allele CA5550100.
Genomic context (GRCh38, chr10:72,423,324, plus strand): 5'-CCTCTGCATGGCGGTCAGCTTCTTGGACTGCACCCCACTGTAGGCAAGTAGCATGCCACC[A>C]AACTGCCTCTCAGTAATTCTCCCATCCACAGGGTCATGGCGTTCAAACTGGGAGGGAAAC-3'
Protein context (NP_001182447.1, residues 317-337): PVDGRITERQ[Phe327Leu]GGMLLAYSGV